The following is an entry in ClinVar:

ClinVar aggregate classification (germline): Uncertain significance (1 of 4 stars; one submission).

Submission:

Labcorp Genetics (formerly Invitae), Labcorp
Classification: Uncertain significance. Last evaluated: 2026-02-03. Review status: criteria provided, single submitter. Criteria: Invitae Variant Classification Sherloc (09022015). Collection method: clinical testing. Allele origin: germline.
Comment: This sequence change replaces phenylalanine, which is neutral and non-polar, with leucine, which is neutral and non-polar, at codon 997 of the MSH3 protein (p.Phe997Leu). This variant is not present in population databases (gnomAD no frequency). This variant has not been reported in the literature in individuals affected with MSH3-related conditions. An algorithm developed to predict the effect of missense changes on protein structure and function (PolyPhen-2) suggests that this variant is likely to be disruptive. In summary, the available evidence is currently insufficient to determine the role of this variant in disease. Therefore, it has been classified as a Variant of Uncertain Significance.

NM_002439.5(MSH3):c.2991C>A (p.Phe997Leu)

Gene: MSH3 (mutS homolog 3; plus strand). Cytogenetic location: 5q14.1.
Variant type: single nucleotide variant.
Coding change: c.2991C>A on transcript NM_002439.5 (MANE Select); coding-DNA position 2991, C replaced by A.
Protein change: p.Phe997Leu; replaces phenylalanine 997 with leucine.
Molecular consequence: missense variant.
Genome position (GRCh38, 1-based): chr5:80,854,307, C>A. VCF-style: chr5-80854307-C-A. GRCh37 (hg19) VCF-style: chr5-80150126-C-A.
Other names: short protein forms F997L.
Identifiers: ClinVar variation 4736609 (VCV004736609.1).